The following is an entry in ClinVar:

ClinVar aggregate classification (germline): Likely pathogenic (1 of 4 stars; one submission).

Conditions:
Ataxia-telangiectasia syndrome (AT). Also called: AT, COMPLEMENTATION GROUP C; Ataxia-telangiectasia, complementation group D; ATAXIA-TELANGIECTASIA, COMPLEMENTATION GROUP A; ATAXIA-TELANGIECTASIA, FRESNO VARIANT; Ataxia-telangiectasia; Ataxia-telangiectasia, complementation group E. Identifiers: Orphanet 100, MedGen C0004135, MONDO:0008840, OMIM 208900.

Submission:

Laboratory for Molecular Medicine, Mass General Brigham Personalized Medicine
Classification: Likely pathogenic for Ataxia-telangiectasia syndrome. Last evaluated: 2022-06-30. Review status: criteria provided, single submitter. Criteria: ACMG Guidelines, 2015. Collection method: clinical testing. Allele origin: germline.
Comment: The p.Ile2559fs in ATM has not been previously reported in individuals with ataxia-telangiectasia or individuals with hereditary breast cancer, and was absent from large population studies. The p.Ile2559fs variant is predicted to cause a frameshift, which alters the protein’s amino acid sequence beginning at position 2559 and leads to a premature termination codon 12 amino acids downstream. This alteration is then predicted to lead to a truncated or absent protein. Loss of function variants in ATM is are known to be disease causing. In summary, although additional studies are required to fully establish its clinical significance, this variant meets criteria to be classified as likely pathogenic for autosomal recessive ataxia-telangiectasia. Additionally, carriers of pathogenic ATM variants may be at increased risk for developing cancers (Gatti 1999 PMID: 20301790, van Os 2016 PMID: 26662178). ACMG/AMP criteria applied: PVS1; PM2_Supporting.

NM_000051.4(ATM):c.7674dup (p.Ile2559fs)

Genes: ATM (ATM serine/threonine kinase; plus strand), C11orf65 (chromosome 11 open reading frame 65; minus strand). Cytogenetic location: 11q22.3.
Variant type: Duplication.
Coding change: c.7674dup on transcript NM_000051.4 (MANE Select); coding-DNA position 7674, one base duplicated (T; older notation c.7674dupT).
Protein change: p.Ile2559fs; shifts the reading frame from isoleucine 2559.
Molecular consequence: frameshift variant. On other transcripts: intron variant (2).
Genome position (GRCh38, 1-based): chr11:108,331,923, T duplicated; the last of 3 consecutive T bases (chr11:108,331,921-108,331,923); duplicating any one gives the same sequence. VCF-style (leftmost placement, unchanged base first): chr11-108331920-G-GT. GRCh37 (hg19) VCF-style: chr11-108202647-G-GT.
Other names: c.7674dup, p.Ile2559fs (NM_001351834.2); c.641-22850dup (NM_001330368.2); c.*38+3299dup (NM_001351110.2); short protein forms I2559fs.
Identifiers: ClinVar variation 3075858 (VCV003075858.1), dbSNP rs2547282344, ClinGen allele CA2825001964.